The following is an entry in ClinVar:

NM_005263.5(GFI1):c.209C>T (p.Ala70Val)

Gene: GFI1 (growth factor independent 1 transcriptional repressor; minus strand). Cytogenetic location: 1p22.1.
Variant type: single nucleotide variant.
Coding change: c.209C>T on transcript NM_005263.5 (MANE Select); coding-DNA position 209, C replaced by T.
Protein change: p.Ala70Val; replaces alanine 70 with valine.
Molecular consequence: missense variant.
Genome position (GRCh38, 1-based): chr1:92,482,953, G>A on the plus strand (C>T on the coding strand, the complement: GFI1 is on the minus strand). VCF-style: chr1-92482953-G-A. GRCh37 (hg19) VCF-style: chr1-92948510-G-A.
Other names: c.209C>T, p.Ala70Val (NM_001127215.3, NM_001127216.3); short protein forms A70V.
Identifiers: ClinVar variation 4263205 (VCV004263205.1).

ClinVar aggregate classification (germline): Uncertain significance (1 of 4 stars; one submission).

gnomAD v4.1: 1 of 1,613,806 alleles (0.000062%); highest among the groups gnomAD compares: Non-Finnish European, 0.000085%; no homozygotes.

Submission:

Ambry Genetics
Classification: Uncertain significance. Last evaluated: 2025-07-17. Review status: criteria provided, single submitter. Criteria: Ambry Variant Classification Scheme 2023. Collection method: clinical testing. Allele origin: germline.
Comment: The p.A70V variant (also known as c.209C>T), located in coding exon 2 of the GFI1 gene, results from a C to T substitution at nucleotide position 209. The alanine at codon 70 is replaced by valine, an amino acid with similar properties. This amino acid position is conserved. In addition, this alteration is predicted to be tolerated by in silico analysis. Based on the available evidence, the clinical significance of this variant remains unclear.